The following is an entry in ClinVar:

NM_198565.3(NRROS):c.362A>C (p.Tyr121Ser)

Gene: NRROS (negative regulator of reactive oxygen species; plus strand). Cytogenetic location: 3q29.
Variant type: single nucleotide variant.
Coding change: c.362A>C on transcript NM_198565.3 (MANE Select); coding-DNA position 362, A replaced by C.
Protein change: p.Tyr121Ser; replaces tyrosine 121 with serine.
Molecular consequence: missense variant.
Genome position (GRCh38, 1-based): chr3:196,660,005, A>C. VCF-style: chr3-196660005-A-C. GRCh37 (hg19) VCF-style: chr3-196386876-A-C.
Other names: short protein forms Y121S.
Identifiers: ClinVar variation 2469575 (VCV002469575.3), dbSNP rs1287408109, ClinGen allele CA355628944.

ClinVar aggregate classification (germline): Uncertain significance. Review status: criteria provided, multiple submitters, no conflicts (2 of 4 stars). 2 submissions from 2 submitters: Uncertain significance (2). Last evaluated 2024-02-29.

Conditions:
Seizures, early-onset, with neurodegeneration and brain calcifications. Identifiers: MedGen C5394359, MONDO:0030033, OMIM 618875.
Inborn genetic diseases. Identifiers: MedGen C0950123, MeSH D030342.

Allele frequency attached by ClinVar (database versions not stated): TOPMed 0.00001.
gnomAD v4.1: 4 of 1,613,542 alleles (0.00025%); highest among the groups gnomAD compares: Non-Finnish European, 0.00034%; no homozygotes.

Submissions (2):

Laboratorio de Genetica e Diagnostico Molecular, Hospital Israelita Albert Einstein
Classification: Uncertain significance for Seizures, early-onset, with neurodegeneration and brain calcifications. Last evaluated: 2024-02-29. Review status: criteria provided, single submitter. Criteria: ACMG Guidelines, 2015. Collection method: clinical testing. Allele origin: germline. Affected: yes.
Comment: ACMG classification criteria: PM2 supporting, BP4 supporting

Ambry Genetics
Classification: Uncertain significance for Inborn genetic diseases. Last evaluated: 2023-02-15. Review status: criteria provided, single submitter. Criteria: Ambry Variant Classification Scheme 2023. Collection method: clinical testing. Allele origin: germline.